The following is an entry in ClinVar:

NM_004655.4(AXIN2):c.869T>G (p.Val290Gly)

Gene: AXIN2 (axin 2; minus strand). Cytogenetic location: 17q24.1.
Variant type: single nucleotide variant.
Coding change: c.869T>G on transcript NM_004655.4 (MANE Select); coding-DNA position 869, T replaced by G.
Protein change: p.Val290Gly; replaces valine 290 with glycine.
Molecular consequence: missense variant.
Genome position (GRCh38, 1-based): chr17:65,549,607, A>C on the plus strand (T>G on the coding strand, the complement: AXIN2 is on the minus strand). VCF-style: chr17-65549607-A-C. GRCh37 (hg19) VCF-style: chr17-63545725-A-C.
Other names: c.869T>G, p.Val290Gly (NM_001363813.1); short protein forms V290G.
Identifiers: ClinVar variation 3981160 (VCV003981160.1).

ClinVar aggregate classification (germline): Uncertain significance (1 of 4 stars; one submission).

Conditions:
Hereditary cancer-predisposing syndrome. Also called: Tumor predisposition; Hereditary neoplastic syndrome; Neoplastic Syndromes, Hereditary; Hereditary Cancer Syndrome. Identifiers: Orphanet 140162, MedGen C0027672, MeSH D009386, MONDO:0015356.

Submission:

Ambry Genetics
Classification: Uncertain significance for Hereditary cancer-predisposing syndrome. Last evaluated: 2025-05-23. Review status: criteria provided, single submitter. Criteria: Ambry Variant Classification Scheme 2023. Collection method: clinical testing. Allele origin: germline.
Comment: The p.V290G variant (also known as c.869T>G), located in coding exon 2 of the AXIN2 gene, results from a T to G substitution at nucleotide position 869. The valine at codon 290 is replaced by glycine, an amino acid with dissimilar properties. This amino acid position is conserved. In addition, the in silico prediction for this alteration is inconclusive. Based on the available evidence, the clinical significance of this variant remains unclear.